The following is an entry in ClinVar:

NM_001005273.3(CHD3):c.3005G>A (p.Arg1002Gln)

Gene: CHD3 (chromodomain helicase DNA binding protein 3; plus strand). Cytogenetic location: 17p13.1.
Variant type: single nucleotide variant.
Coding change: c.3005G>A on transcript NM_001005273.3 (MANE Select); coding-DNA position 3005, G replaced by A.
Protein change: p.Arg1002Gln; replaces arginine 1002 with glutamine.
Molecular consequence: missense variant.
Genome position (GRCh38, 1-based): chr17:7,900,878, G>A. VCF-style: chr17-7900878-G-A. GRCh37 (hg19) VCF-style: chr17-7804196-G-A.
Other names: c.3182G>A, p.Arg1061Gln (NM_001005271.3); c.3005G>A, p.Arg1002Gln (NM_005852.4); short protein forms R1061Q, R1002Q.
Identifiers: ClinVar variation 3832800 (VCV003832800.2).

ClinVar aggregate classification (germline): Uncertain significance (1 of 4 stars; one submission).

Conditions:
Inborn genetic diseases. Identifiers: MedGen C0950123, MeSH D030342.

Submission:

Ambry Genetics
Classification: Uncertain significance for Inborn genetic diseases. Last evaluated: 2025-04-14. Review status: criteria provided, single submitter. Criteria: Ambry Variant Classification Scheme 2023. Collection method: clinical testing. Allele origin: germline.
Comment: The c.3182G>A (p.R1061Q) alteration is located in exon 19 (coding exon 19) of the CHD3 gene. This alteration results from a G to A substitution at nucleotide position 3182, causing the arginine (R) at amino acid position 1061 to be replaced by a glutamine (Q). This variant was not reported in population-based cohorts in the Genome Aggregation Database (gnomAD). This amino acid position is well conserved in available vertebrate species. The in silico prediction for this alteration is inconclusive. Based on insufficient or conflicting evidence, the clinical significance of this alteration remains unclear.